The following is an entry in ClinVar:

NM_000465.4(BARD1):c.415A>G (p.Lys139Glu)

Gene: BARD1 (BRCA1 associated RING domain 1; minus strand). Cytogenetic location: 2q35.
Variant type: single nucleotide variant.
Coding change: c.415A>G on transcript NM_000465.4 (MANE Select); coding-DNA position 415, A replaced by G.
Protein change: p.Lys139Glu; replaces lysine 139 with glutamic acid.
Molecular consequence: missense variant. On other transcripts: non-coding transcript variant (2), intron variant (3).
Genome position (GRCh38, 1-based): chr2:214,781,459, T>C on the plus strand (A>G on the coding strand, the complement: BARD1 is on the minus strand). VCF-style: chr2-214781459-T-C. GRCh37 (hg19) VCF-style: chr2-215646183-T-C.
Other names: c.358A>G, p.Lys120Glu (NM_001282543.2); c.158+27953A>G (NM_001282548.2); c.215+15602A>G (NM_001282545.2); c.364+10838A>G (NM_001282549.2); short protein forms K139E, K120E.
Identifiers: ClinVar variation 142340 (VCV000142340.26), dbSNP rs587782395, ClinGen allele CA168118.

ClinVar aggregate classification (germline): Uncertain significance. Review status: criteria provided, multiple submitters, no conflicts (2 of 4 stars). 6 submissions from 6 submitters: Uncertain significance (6). Last evaluated 2025-09-24.

Conditions:
Hereditary cancer. Identifiers: MedGen C1333600.
Hereditary cancer-predisposing syndrome. Also called: Neoplastic Syndromes, Hereditary; Tumor predisposition; Hereditary Cancer Syndrome; Hereditary neoplastic syndrome. Identifiers: Orphanet 140162, MedGen C0027672, MeSH D009386, MONDO:0015356.
Familial cancer of breast. Also called: BREAST CANCER, FAMILIAL; Hereditary breast cancer; hereditary breast carcinoma. Identifiers: Orphanet 227535, MedGen C0346153, MONDO:0016419, OMIM 114480. Disease mechanism: loss of function.

Allele frequency attached by ClinVar (database versions not stated): gnomAD exomes below 0.00001 and 0.00001; gnomAD 0.00001; TOPMed 0.00001.
gnomAD v4.1: 8 of 1,612,968 alleles (0.0005%); highest among the groups gnomAD compares: Admixed American, 0.0033%; no homozygotes.

Submissions (6):

Labcorp Genetics (formerly Invitae), Labcorp
Classification: Uncertain significance for Familial cancer of breast. Last evaluated: 2025-09-24. Review status: criteria provided, single submitter. Criteria: Invitae Variant Classification Sherloc (09022015). Collection method: clinical testing. Allele origin: germline.
Comment: This sequence change replaces lysine, which is basic and polar, with glutamic acid, which is acidic and polar, at codon 139 of the BARD1 protein (p.Lys139Glu). This variant is not present in population databases (gnomAD no frequency). This variant has not been reported in the literature in individuals affected with BARD1-related conditions. ClinVar contains an entry for this variant (Variation ID: 142340). An algorithm developed to predict the effect of missense changes on protein structure and function (PolyPhen-2) suggests that this variant is likely to be disruptive. In summary, the available evidence is currently insufficient to determine the role of this variant in disease. Therefore, it has been classified as a Variant of Uncertain Significance.

Mendelics
Classification: Uncertain significance for Hereditary cancer. Last evaluated: 2025-02-26. Review status: criteria provided, single submitter. Criteria: ACMG Guidelines, 2015. Collection method: clinical testing. Allele origin: unknown.
Comment: The available evidence is insufficient to conclusively determine the role of this variant. Therefore, it is classified as a Variant of Uncertain Significance.

Ambry Genetics
Classification: Uncertain significance for Hereditary cancer-predisposing syndrome. Last evaluated: 2024-12-14. Review status: criteria provided, single submitter. Criteria: Ambry Variant Classification Scheme 2023. Collection method: clinical testing. Allele origin: germline.
Comment: The p.K139E variant (also known as c.415A>G), located in coding exon 4 of the BARD1 gene, results from an A to G substitution at nucleotide position 415. The lysine at codon 139 is replaced by glutamic acid, an amino acid with similar properties. This amino acid position is highly conserved in available vertebrate species. In addition, the in silico prediction for this alteration is inconclusive. Since supporting evidence is limited at this time, the clinical significance of this alteration remains unclear.

Color Diagnostics, LLC DBA Color Health
Classification: Uncertain significance for Hereditary cancer-predisposing syndrome. Last evaluated: 2024-03-06. Review status: criteria provided, single submitter. Criteria: ACMG Guidelines, 2015. Collection method: clinical testing. Allele origin: germline.
Comment: This missense variant replaces lysine with glutamic acid at codon 139 of the BARD1 protein. Computational prediction suggests that this variant may not impact protein structure and function (internally defined REVEL score threshold <= 0.5, PMID: 27666373). To our knowledge, functional studies have not been reported for this variant. This variant has not been reported in individuals affected with BARD1-related disorders in the literature. This variant has been identified in 1/249728 chromosomes in the general population by the Genome Aggregation Database (gnomAD). The available evidence is insufficient to determine the role of this variant in disease conclusively. Therefore, this variant is classified as a Variant of Uncertain Significance.

Baylor Genetics
Classification: Uncertain significance for Familial cancer of breast. Last evaluated: 2023-09-08. Review status: criteria provided, single submitter. Criteria: ACMG Guidelines, 2015. Collection method: clinical testing. Allele origin: unknown.

GeneDx
Classification: Uncertain significance. Last evaluated: 2022-08-12. Review status: criteria provided, single submitter. Criteria: GeneDx Variant Classification Process June 2021. Collection method: clinical testing. Allele origin: germline. Affected: yes.
Comment: Not observed at significant frequency in large population cohorts (gnomAD); In silico analysis supports that this missense variant does not alter protein structure/function; Has not been previously published as pathogenic or benign to our knowledge